The following is an entry in ClinVar:

ClinVar aggregate classification (germline): Uncertain significance (1 of 4 stars; one submission).

Conditions:
Mowat-Wilson syndrome (MOWS). Also called: Classic Mowat-Wilson Syndrome. Identifiers: Orphanet 2152, MedGen C1856113, MONDO:0009341, OMIM 235730.

gnomAD v4.1: 2 of 1,614,072 alleles (0.00012%); highest among the groups gnomAD compares: Non-Finnish European, 0.000085%; no homozygotes.

Submission:

Labcorp Genetics (formerly Invitae), Labcorp
Classification: Uncertain significance for Mowat-Wilson syndrome. Last evaluated: 2025-04-21. Review status: criteria provided, single submitter. Criteria: Invitae Variant Classification Sherloc (09022015). Collection method: clinical testing. Allele origin: germline.
Comment: This sequence change replaces proline, which is neutral and non-polar, with arginine, which is basic and polar, at codon 893 of the ZEB2 protein (p.Pro893Arg). This variant is not present in population databases (gnomAD no frequency). This variant has not been reported in the literature in individuals affected with ZEB2-related conditions. Invitae Evidence Modeling of protein sequence and biophysical properties (such as structural, functional, and spatial information, amino acid conservation, physicochemical variation, residue mobility, and thermodynamic stability) indicates that this missense variant is expected to disrupt ZEB2 protein function with a positive predictive value of 80%. In summary, the available evidence is currently insufficient to determine the role of this variant in disease. Therefore, it has been classified as a Variant of Uncertain Significance.

NM_014795.4(ZEB2):c.2678C>G (p.Pro893Arg)

Gene: ZEB2 (zinc finger E-box binding homeobox 2; minus strand). Cytogenetic location: 2q22.3.
Variant type: single nucleotide variant.
Coding change: c.2678C>G on transcript NM_014795.4 (MANE Select); coding-DNA position 2678, C replaced by G.
Protein change: p.Pro893Arg; replaces proline 893 with arginine.
Molecular consequence: missense variant.
Genome position (GRCh38, 1-based): chr2:144,398,509, G>C on the plus strand (C>G on the coding strand, the complement: ZEB2 is on the minus strand). VCF-style: chr2-144398509-G-C. GRCh37 (hg19) VCF-style: chr2-145156076-G-C.
Other names: c.2606C>G, p.Pro869Arg (NM_001171653.2); short protein forms P893R, P869R.
Identifiers: ClinVar variation 4778196 (VCV004778196.1).